The following is an entry in ClinVar:

ClinVar aggregate classification (germline): Uncertain significance (1 of 4 stars; one submission).

Conditions:
Inborn genetic diseases. Identifiers: MedGen C0950123, MeSH D030342.

Submission:

Ambry Genetics
Classification: Uncertain significance for Inborn genetic diseases. Last evaluated: 2025-03-01. Review status: criteria provided, single submitter. Criteria: Ambry Variant Classification Scheme 2023. Collection method: clinical testing. Allele origin: germline.
Comment: The p.P304L variant (also known as c.911C>T), located in coding exon 6 of the G6PC3 gene, results from a C to T substitution at nucleotide position 911. The proline at codon 304 is replaced by leucine, an amino acid with similar properties. This amino acid position is conserved. In addition, this alteration is predicted to be tolerated by in silico analysis. Based on the available evidence, the clinical significance of this variant remains unclear.

NM_138387.4(G6PC3):c.911C>T (p.Pro304Leu)

Gene: G6PC3 (glucose-6-phosphatase catalytic subunit 3; plus strand). Cytogenetic location: 17q21.31.
Variant type: single nucleotide variant.
Coding change: c.911C>T on transcript NM_138387.4 (MANE Select); coding-DNA position 911, C replaced by T.
Protein change: p.Pro304Leu; replaces proline 304 with leucine.
Molecular consequence: missense variant. On other transcripts: 3 prime UTR variant (1).
Genome position (GRCh38, 1-based): chr17:44,075,913, C>T. VCF-style: chr17-44075913-C-T. GRCh37 (hg19) VCF-style: chr17-42153281-C-T.
Other names: c.*204C>T (NM_001319945.2); c.566C>T, p.Pro189Leu (NM_001384165.1, NM_001384166.1, NM_001384167.1 and 1 more transcripts); short protein forms P304L, P189L.
Identifiers: ClinVar variation 3852378 (VCV003852378.1).